The following is an entry in ClinVar:

NM_000057.4(BLM):c.4246T>A (p.Phe1416Ile)

Gene: BLM (BLM RecQ like helicase; plus strand). Cytogenetic location: 15q26.1.
Variant type: single nucleotide variant.
Coding change: c.4246T>A on transcript NM_000057.4 (MANE Select); coding-DNA position 4246, T replaced by A.
Protein change: p.Phe1416Ile; replaces phenylalanine 1416 with isoleucine.
Molecular consequence: missense variant.
Genome position (GRCh38, 1-based): chr15:90,815,271, T>A. VCF-style: chr15-90815271-T-A. GRCh37 (hg19) VCF-style: chr15-91358501-T-A.
Other names: c.4246T>A, p.Phe1416Ile (NM_001287246.2); c.3853T>A, p.Phe1285Ile (NM_001287247.2); c.3121T>A, p.Phe1041Ile (NM_001287248.2); short protein forms F1041I, F1416I, F1285I.
Identifiers: ClinVar variation 3991646 (VCV003991646.1).

ClinVar aggregate classification (germline): Uncertain significance (1 of 4 stars; one submission).

Conditions:
Hereditary cancer-predisposing syndrome. Also called: Tumor predisposition; Hereditary neoplastic syndrome; Neoplastic Syndromes, Hereditary; Hereditary Cancer Syndrome. Identifiers: Orphanet 140162, MedGen C0027672, MeSH D009386, MONDO:0015356.

Submission:

Ambry Genetics
Classification: Uncertain significance for Hereditary cancer-predisposing syndrome. Last evaluated: 2025-04-18. Review status: criteria provided, single submitter. Criteria: Ambry Variant Classification Scheme 2023. Collection method: clinical testing. Allele origin: germline.
Comment: The p.F1416I variant (also known as c.4246T>A), located in coding exon 21 of the BLM gene, results from a T to A substitution at nucleotide position 4246. The phenylalanine at codon 1416 is replaced by isoleucine, an amino acid with highly similar properties. This amino acid position is conserved. In addition, this alteration is predicted to be tolerated by in silico analysis. Based on the available evidence, the clinical significance of this variant remains unclear.